The following is an entry in ClinVar:

NM_000152.5(GAA):c.2276G>C (p.Gly759Ala)

Gene: GAA (alpha glucosidase; plus strand). Cytogenetic location: 17q25.3.
Variant type: single nucleotide variant.
Coding change: c.2276G>C on transcript NM_000152.5 (MANE Select); coding-DNA position 2276, G replaced by C.
Protein change: p.Gly759Ala; replaces glycine 759 with alanine.
Molecular consequence: missense variant.
Genome position (GRCh38, 1-based): chr17:80,117,054, G>C. VCF-style: chr17-80117054-G-C. GRCh37 (hg19) VCF-style: chr17-78090853-G-C.
Other names: c.2276G>C, p.Gly759Ala (NM_001079803.3, NM_001079804.3, NM_001406741.1 and 1 more transcripts); short protein forms G759A.
Identifiers: ClinVar variation 4876532 (VCV004876532.1).

ClinVar aggregate classification (germline): Uncertain significance (1 of 4 stars; one submission).

Conditions:
Glycogen storage disease, type II (IOPD). Also called: Pompe Disease; CARDIOMEGALIA GLYCOGENICA DIFFUSA; GLYCOGENOSIS, GENERALIZED, CARDIAC FORM; GSD II; POMPE DISEASE, INFANTILE-ONSET; GLYCOGEN STORAGE DISEASE II, INFANTILE-ONSET. Identifiers: Orphanet 365, MedGen C0017921, MONDO:0009290, OMIM 232300.

Submission:

Genomenon, Inc
Classification: Uncertain significance for Glycogen storage disease, type II. Last evaluated: 2026-07-01. Review status: criteria provided, single submitter. Criteria: Genomenon Sequence Variant Interpretation Standards - Updated. Collection method: curation. Allele origin: germline. Affected: yes.
Comment: GAA p.Gly759Ala (c.2276G>C) is a missense variant that changes the amino acid at codon 759 from Glycine to Alanine. This variant has been observed in at least one proband with a GAA-related disorder in the compound heterozygous and/or homozygous state (PMID:24107549). It is absent or not present at a significant frequency in gnomAD. In conclusion, we classify GAA p.Gly759Ala (c.2276G>C) as a variant of uncertain significance.

Literature cited by the submitters: PubMed 24107549.